The following is an entry in ClinVar:

ClinVar aggregate classification (germline): Pathogenic (1 of 4 stars; one submission).

Conditions:
Hypertrophic cardiomyopathy. Also called: HYPERTROPHIC MYOCARDIOPATHY. Identifiers: Orphanet 217569, MedGen C0007194, MeSH D002312, MONDO:0005045, HP:0001639.

Submission:

Labcorp Genetics (formerly Invitae), Labcorp
Classification: Pathogenic for Hypertrophic cardiomyopathy. Last evaluated: 2023-05-26. Review status: criteria provided, single submitter. Criteria: Invitae Variant Classification Sherloc (09022015). Collection method: clinical testing. Allele origin: germline.
Comment: This sequence change creates a premature translational stop signal (p.Leu994Profs*12) in the MYBPC3 gene. It is expected to result in an absent or disrupted protein product. Loss-of-function variants in MYBPC3 are known to be pathogenic (PMID: 19574547). This variant is not present in population databases (gnomAD no frequency). This variant has not been reported in the literature in individuals affected with MYBPC3-related conditions. For these reasons, this variant has been classified as Pathogenic.

Literature cited by the submitters: PubMed 19574547.

NM_000256.3(MYBPC3):c.2981del (p.Leu994fs)

Gene: MYBPC3 (myosin binding protein C3; minus strand). Cytogenetic location: 11p11.2.
Variant type: Deletion.
Coding change: c.2981del on transcript NM_000256.3 (MANE Select); coding-DNA position 2981, one base deleted (T; older notation c.2981delT).
Protein change: p.Leu994fs; shifts the reading frame from leucine 994.
Molecular consequence: frameshift variant.
Genome position (GRCh38, 1-based): chr11:47,333,935, A deleted on the plus strand (T on the coding strand, the reverse complement: MYBPC3 is on the minus strand). VCF-style (leftmost placement, unchanged base first): chr11-47333934-GA-G. GRCh37 (hg19) VCF-style: chr11-47355485-GA-G.
Other names: short protein forms L994fs.
Identifiers: ClinVar variation 2835256 (VCV002835256.3), dbSNP rs2495742646, ClinGen allele CA2739270416.